The following is an entry in ClinVar:

ClinVar aggregate classification (germline): Conflicting classifications of pathogenicity. Review status: criteria provided, conflicting classifications (1 of 4 stars). 5 submissions from 5 submitters: Uncertain significance (2); Benign (1); Likely benign (1). 1 of the submissions does not count toward it. Last evaluated 2025-12-15.

Conditions:
Sitosterolemia (STSL). Also called: PHYTOSTEROLEMIA. Identifiers: Orphanet 2882, MedGen C0342907, MONDO:0008863.
Cardiovascular phenotype. Identifiers: MedGen CN230736.
Sitosterolemia 1. Identifiers: MedGen C2749759, MONDO:0020747, OMIM 210250.
ABCG5-related disorder. Also called: ABCG5-related condition.

Allele frequency attached by ClinVar (database versions not stated): gnomAD exomes 0.00030 and 0.00048; ESP Exome Variant Server 0.00031; gnomAD 0.00031 and 0.00033; TOPMed 0.00032; ExAC 0.00099.
gnomAD v4.1: 490 of 1,588,538 alleles (0.031%); highest among the groups gnomAD compares: Admixed American, 0.13%; 2 homozygotes.

Submissions (5):

Labcorp Genetics (formerly Invitae), Labcorp
Classification: Benign for Sitosterolemia. Last evaluated: 2025-12-15. Review status: criteria provided, single submitter. Criteria: Invitae Variant Classification Sherloc (09022015). Collection method: clinical testing. Allele origin: germline.

Ambry Genetics
Classification: Likely benign for Cardiovascular phenotype. Last evaluated: 2020-12-01. Review status: criteria provided, single submitter. Criteria: Ambry Variant Classification Scheme 2023. Collection method: clinical testing. Allele origin: germline.

Eurofins Ntd Llc (ga)
Classification: Uncertain significance. Last evaluated: 2018-06-26. Review status: criteria provided, single submitter. Criteria: EGL ClinVar v180209 classification definitions. Collection method: clinical testing. Allele origin: germline. Observed: 2 variant alleles, 2 heterozygotes.

Illumina Laboratory Services, Illumina
Classification: Uncertain significance for Sitosterolemia 1. Last evaluated: 2018-01-12. Review status: criteria provided, single submitter. Criteria: ICSL Variant Classification Criteria 13 December 2019. Collection method: clinical testing. Allele origin: germline.

PreventionGenetics, part of Exact Sciences
Classification: Likely benign for ABCG5-related condition. Last evaluated: 2021-03-10. Review status: no assertion criteria provided. Collection method: clinical testing. Allele origin: germline. Not counted in ClinVar's aggregate classification.
Comment: This variant is classified as likely benign based on ACMG/AMP sequence variant interpretation guidelines (Richards et al. 2015 PMID: 25741868, with internal and published modifications).

NM_022436.3(ABCG5):c.442C>T (p.Leu148=)

Gene: ABCG5 (ATP binding cassette subfamily G member 5; minus strand). Cytogenetic location: 2p21.
Variant type: single nucleotide variant.
Coding change: c.442C>T on transcript NM_022436.3 (MANE Select); coding-DNA position 442, C replaced by T.
Protein change: p.Leu148=; no amino-acid change (leucine 148 retained).
Molecular consequence: synonymous variant.
Genome position (GRCh38, 1-based): chr2:43,831,828, G>A on the plus strand (C>T on the coding strand, the complement: ABCG5 is on the minus strand). VCF-style: chr2-43831828-G-A. GRCh37 (hg19) VCF-style: chr2-44058967-G-A.
Identifiers: ClinVar variation 597817 (VCV000597817.21), dbSNP rs143444046, ClinGen allele CA1636674.